The following is an entry in ClinVar:

ClinVar aggregate classification (germline): Uncertain significance (1 of 4 stars; one submission).

gnomAD v4.1: 15 of 1,613,620 alleles (0.00093%); highest among the groups gnomAD compares: Admixed American, 0.0033%; no homozygotes.

Submission:

Labcorp Genetics (formerly Invitae), Labcorp
Classification: Uncertain significance. Last evaluated: 2025-11-23. Review status: criteria provided, single submitter. Criteria: Invitae Variant Classification Sherloc (09022015). Collection method: clinical testing. Allele origin: germline.
Comment: This sequence change replaces alanine, which is neutral and non-polar, with valine, which is neutral and non-polar, at codon 432 of the SON protein (p.Ala432Val). This variant is present in population databases (rs372497392, gnomAD 0.003%). This variant has not been reported in the literature in individuals affected with SON-related conditions. An algorithm developed to predict the effect of missense changes on protein structure and function outputs the following: PolyPhen-2: "Benign". The valine amino acid residue is found in multiple mammalian species, which suggests that this missense change does not adversely affect protein function. In summary, the available evidence is currently insufficient to determine the role of this variant in disease. Therefore, it has been classified as a Variant of Uncertain Significance.

NM_138927.4(SON):c.1295C>T (p.Ala432Val)

Gene: SON (SON DNA and RNA binding protein; plus strand). Cytogenetic location: 21q22.11.
Variant type: single nucleotide variant.
Coding change: c.1295C>T on transcript NM_138927.4 (MANE Select); coding-DNA position 1295, C replaced by T.
Protein change: p.Ala432Val; replaces alanine 432 with valine.
Molecular consequence: missense variant. On other transcripts: non-coding transcript variant (1), intron variant (1).
Genome position (GRCh38, 1-based): chr21:33,550,526, C>T. VCF-style: chr21-33550526-C-T. GRCh37 (hg19) VCF-style: chr21-34922832-C-T.
Other names: c.1295C>T, p.Ala432Val (NM_001291411.2, NM_032195.3); c.244+4147C>T (NM_001291412.3); short protein forms A432V.
Identifiers: ClinVar variation 4702625 (VCV004702625.1).